The following is an entry in ClinVar:

NM_000051.4(ATM):c.3952G>C (p.Val1318Leu)

Gene: ATM (ATM serine/threonine kinase; plus strand). Cytogenetic location: 11q22.3.
Variant type: single nucleotide variant.
Coding change: c.3952G>C on transcript NM_000051.4 (MANE Select); coding-DNA position 3952, G replaced by C.
Protein change: p.Val1318Leu; replaces valine 1318 with leucine.
Molecular consequence: missense variant.
Genome position (GRCh38, 1-based): chr11:108,284,432, G>C. VCF-style: chr11-108284432-G-C. GRCh37 (hg19) VCF-style: chr11-108155159-G-C.
Other names: c.3952G>C, p.Val1318Leu (NM_001351834.2); short protein forms V1318L.
Identifiers: ClinVar variation 2679727 (VCV002679727.4), dbSNP rs587778074, ClinGen allele CA382526019.

ClinVar aggregate classification (germline): Uncertain significance. Review status: criteria provided, multiple submitters, no conflicts (2 of 4 stars). 3 submissions from 3 submitters: Uncertain significance (3). Last evaluated 2024-03-06.

Conditions:
Familial cancer of breast. Also called: hereditary breast carcinoma; BREAST CANCER, FAMILIAL; Hereditary breast cancer. Identifiers: Orphanet 227535, MedGen C0346153, MONDO:0016419, OMIM 114480. Disease mechanism: loss of function.
Ataxia-telangiectasia syndrome (AT). Also called: AT, COMPLEMENTATION GROUP C; Ataxia telangiectasia (A-T); Cerebello-oculocutaneous telangiectasia; Immunodeficiency with ataxia telangiectasia; LOUIS-BAR SYNDROME; ATAXIA-TELANGIECTASIA, COMPLEMENTATION GROUP A. Identifiers: Orphanet 100, MedGen C0004135, MONDO:0008840, OMIM 208900.

Allele frequency attached by ClinVar (database versions not stated): TOPMed below 0.00001.

Submissions (3):

Labcorp Genetics (formerly Invitae), Labcorp
Classification: Uncertain significance for Ataxia-telangiectasia syndrome. Last evaluated: 2024-03-06. Review status: criteria provided, single submitter. Criteria: Invitae Variant Classification Sherloc (09022015). Collection method: clinical testing. Allele origin: germline.
Comment: This sequence change replaces valine, which is neutral and non-polar, with leucine, which is neutral and non-polar, at codon 1318 of the ATM protein (p.Val1318Leu). This variant is not present in population databases (gnomAD no frequency). This variant has not been reported in the literature in individuals affected with ATM-related conditions. An algorithm developed to predict the effect of missense changes on protein structure and function (PolyPhen-2) suggests that this variant is likely to be disruptive. In summary, the available evidence is currently insufficient to determine the role of this variant in disease. Therefore, it has been classified as a Variant of Uncertain Significance.

St. Jude Molecular Pathology, St. Jude Children's Research Hospital
Classification: Uncertain significance for Familial cancer of breast. Last evaluated: 2024-02-23. Review status: criteria provided, single submitter. Criteria: St. Jude Assertion Criteria 2020. Collection method: clinical testing. Allele origin: germline.
Comment: The ATM c.3952G>C (p.Val1318Leu) missense change is absent in gnomAD v2.1.1. The in silico tool REVEL is inconclusive about a pathogenic or benign effect of this variant on protein function, and to our knowledge functional studies have not been performed. To our knowledge, this variant has not been reported in individuals with ataxia telangiectasia. In summary, the evidence currently available is insufficient to determine the clinical significance of this variant. It has therefore been classified as of uncertain significance.

Baylor Genetics
Classification: Uncertain significance for Familial cancer of breast. Last evaluated: 2023-05-08. Review status: criteria provided, single submitter. Criteria: ACMG Guidelines, 2015. Collection method: clinical testing. Allele origin: unknown.